The following is an entry in ClinVar:

NM_000038.6(APC):c.1093A>C (p.Lys365Gln)

Gene: APC (APC regulator of Wnt signaling pathway; plus strand). Cytogenetic location: 5q22.2.
Variant type: single nucleotide variant.
Coding change: c.1093A>C on transcript NM_000038.6 (MANE Select); coding-DNA position 1093, A replaced by C.
Protein change: p.Lys365Gln; replaces lysine 365 with glutamine.
Molecular consequence: missense variant. On other transcripts: intron variant (4).
Genome position (GRCh38, 1-based): chr5:112,819,125, A>C. VCF-style: chr5-112819125-A-C. GRCh37 (hg19) VCF-style: chr5-112154822-A-C.
Other names: c.1093A>C, p.Lys365Gln (NM_001127510.3, NM_001354895.2, NM_001354896.2); c.1039A>C, p.Lys347Gln (NM_001127511.3); c.1123A>C, p.Lys375Gln (NM_001354897.2); c.1018A>C, p.Lys340Gln (NM_001354898.2); c.1009A>C, p.Lys337Gln (NM_001354899.2); c.916A>C, p.Lys306Gln (NM_001354900.2, NM_001354901.2); c.244A>C, p.Lys82Gln (NM_001354906.2); c.964-144A>C (NM_001354902.2); and 3 more; short protein forms K306Q, K337Q, K340Q, K347Q, K365Q, K375Q, K82Q.
Identifiers: ClinVar variation 1018044 (VCV001018044.10), dbSNP rs1762831557, ClinGen allele CA16023705.

ClinVar aggregate classification (germline): Uncertain significance (1 of 4 stars; one submission).

Conditions:
Familial adenomatous polyposis 1 (FAP1). Also called: POLYPOSIS, ADENOMATOUS INTESTINAL; FAMILIAL ADENOMATOUS POLYPOSIS 1, ATTENUATED. Identifiers: MedGen C2713442, MONDO:0021056, OMIM 175100. Disease mechanism: loss of function.

Submission:

Labcorp Genetics (formerly Invitae), Labcorp
Classification: Uncertain significance for Familial adenomatous polyposis 1. Last evaluated: 2024-05-28. Review status: criteria provided, single submitter. Criteria: Invitae Variant Classification Sherloc (09022015). Collection method: clinical testing. Allele origin: germline.
Comment: This sequence change replaces lysine, which is basic and polar, with glutamine, which is neutral and polar, at codon 365 of the APC protein (p.Lys365Gln). This variant is not present in population databases (gnomAD no frequency). This variant has not been reported in the literature in individuals affected with APC-related conditions. ClinVar contains an entry for this variant (Variation ID: 1018044). Advanced modeling of protein sequence and biophysical properties (such as structural, functional, and spatial information, amino acid conservation, physicochemical variation, residue mobility, and thermodynamic stability) performed at Invitae indicates that this missense variant is not expected to disrupt APC protein function with a negative predictive value of 95%. In summary, the available evidence is currently insufficient to determine the role of this variant in disease. Therefore, it has been classified as a Variant of Uncertain Significance.